The following is an entry in ClinVar:

ClinVar aggregate classification (germline): Uncertain significance (1 of 4 stars; one submission).

Allele frequency attached by ClinVar (database versions not stated): gnomAD exomes below 0.00001; TOPMed below 0.00001; ExAC 0.00001.
gnomAD v4.1: 1 of 1,613,202 alleles (0.000062%); highest among the groups gnomAD compares: Non-Finnish European, 0.000085%; no homozygotes.

Submission:

Labcorp Genetics (formerly Invitae), Labcorp
Classification: Uncertain significance. Last evaluated: 2024-02-13. Review status: criteria provided, single submitter. Criteria: Invitae Variant Classification Sherloc (09022015). Collection method: clinical testing. Allele origin: germline.
Comment: This sequence change falls in intron 10 of the MME gene. It does not directly change the encoded amino acid sequence of the MME protein. This variant is present in population databases (rs778436185, gnomAD 0.0009%). This variant has not been reported in the literature in individuals affected with MME-related conditions. Algorithms developed to predict the effect of sequence changes on RNA splicing suggest that this variant may disrupt the consensus splice site. In summary, the available evidence is currently insufficient to determine the role of this variant in disease. Therefore, it has been classified as a Variant of Uncertain Significance.

NM_007289.4(MME):c.958-10T>C

Gene: MME (membrane metalloendopeptidase; plus strand). Cytogenetic location: 3q25.2.
Variant type: single nucleotide variant.
Coding change: c.958-10T>C on transcript NM_007289.4 (MANE Select); 10 bases into the intron before coding-DNA position 958, T replaced by C.
Molecular consequence: intron variant.
Genome position (GRCh38, 1-based): chr3:155,141,981, T>C. VCF-style: chr3-155141981-T-C. GRCh37 (hg19) VCF-style: chr3-154859770-T-C.
Other names: c.958-10T>C (NM_001354642.2, NM_000902.5, NM_007287.4 and 2 more transcripts).
Identifiers: ClinVar variation 2805648 (VCV002805648.3), dbSNP rs778436185, ClinGen allele CA2675350.
Genomic context (GRCh38, chr3:155,141,981, plus strand): 5'-TATAACTGAATCTTGGACCCAAGAAGAGAAATCCACAATTTCTGAATGTTTCATGCCTGC[T>C]TTTTTCCAGCCATTCAGCTGGTTGAATTTCACAAATGAAATCATGTCAACTGTGAATATT-3'